The following is an entry in ClinVar:

ClinVar aggregate classification (germline): Benign/Likely benign. Review status: criteria provided, multiple submitters, no conflicts (2 of 4 stars). 2 submissions from 2 submitters: Benign (1); Likely benign (1). Last evaluated 2026-06-01.

Conditions:
Temtamy preaxial brachydactyly syndrome (TPBS). Identifiers: Orphanet 363417, MedGen C1854466, MONDO:0011533, OMIM 605282.

Allele frequency attached by ClinVar (database versions not stated): gnomAD 0.00004 and 0.00005; TOPMed 0.00008; gnomAD exomes 0.00024; ExAC 0.00028; 1000 Genomes Project 0.00040; 1000 Genomes Project 30x 0.00047.

Submissions (2):

CeGaT Center for Human Genetics Tuebingen
Classification: Likely benign. Last evaluated: 2026-06-01. Review status: criteria provided, single submitter. Criteria: CeGaT Center For Human Genetics Tuebingen Variant Classification Criteria Version 2. Collection method: clinical testing. Allele origin: germline. Affected: yes. Observed: 1 variant allele.
Comment: CHSY1: BP4, BP7

Labcorp Genetics (formerly Invitae), Labcorp
Classification: Benign for Temtamy preaxial brachydactyly syndrome. Last evaluated: 2025-12-28. Review status: criteria provided, single submitter. Criteria: Invitae Variant Classification Sherloc (09022015). Collection method: clinical testing. Allele origin: germline.

NM_014918.5(CHSY1):c.1701C>T (p.Leu567=)

Gene: CHSY1 (chondroitin sulfate synthase 1; minus strand). Cytogenetic location: 15q26.3.
Variant type: single nucleotide variant.
Coding change: c.1701C>T on transcript NM_014918.5 (MANE Select); coding-DNA position 1701, C replaced by T.
Protein change: p.Leu567=; no amino-acid change (leucine 567 retained).
Molecular consequence: synonymous variant.
Genome position (GRCh38, 1-based): chr15:101,178,096, G>A on the plus strand (C>T on the coding strand, the complement: CHSY1 is on the minus strand). VCF-style: chr15-101178096-G-A. GRCh37 (hg19) VCF-style: chr15-101718301-G-A.
Identifiers: ClinVar variation 734504 (VCV000734504.14), dbSNP rs192677621, ClinGen allele CA7762476.
Genomic context (GRCh38, chr15:101,178,096, plus strand): 5'-CATCAGTTCAACTTGTTTGGCCTTGTCAGGGTTGGAGTCAGAATTGAAAAGCAGAACCAC[G>A]AGCTTGACGTTCTGATTGGGGATAAGACACGTCTTCTCAAAGTTTCCCATAAATCTCACA-3'
Protein context (NP_055733.2, residues 557-577): TCLIPNQNVK[Leu567=]VVLLFNSDSN